The following is an entry in ClinVar:

NM_005076.5(CNTN2):c.2299G>A (p.Asp767Asn)

Gene: CNTN2 (contactin 2; plus strand). Cytogenetic location: 1q32.1.
Variant type: single nucleotide variant.
Coding change: c.2299G>A on transcript NM_005076.5 (MANE Select); coding-DNA position 2299, G replaced by A.
Protein change: p.Asp767Asn; replaces aspartic acid 767 with asparagine.
Molecular consequence: missense variant. On other transcripts: non-coding transcript variant (1).
Genome position (GRCh38, 1-based): chr1:205,069,929, G>A. VCF-style: chr1-205069929-G-A. GRCh37 (hg19) VCF-style: chr1-205039057-G-A.
Other names: c.2299G>A, p.Asp767Asn (NM_001346083.2); short protein forms D767N.
Identifiers: ClinVar variation 1393571 (VCV001393571.8), dbSNP rs1654500986, ClinGen allele CA344378809.

ClinVar aggregate classification (germline): Uncertain significance (1 of 4 stars; one submission).

Conditions:
Epilepsy, familial adult myoclonic, 5 (EPEO5). Also called: CORTICAL MYOCLONIC TREMOR WITH EPILEPSY, FAMILIAL, 5. Identifiers: Orphanet 86814, MedGen C3809374, MONDO:0014167, OMIM 615400.

Allele frequency attached by ClinVar (database versions not stated): gnomAD exomes below 0.00001; gnomAD 0.00001.

Submission:

Labcorp Genetics (formerly Invitae), Labcorp
Classification: Uncertain significance for Epilepsy, familial adult myoclonic, 5. Last evaluated: 2021-05-18. Review status: criteria provided, single submitter. Criteria: Invitae Variant Classification Sherloc (09022015). Collection method: clinical testing. Allele origin: germline.
Comment: In summary, the available evidence is currently insufficient to determine the role of this variant in disease. Therefore, it has been classified as a Variant of Uncertain Significance. Advanced modeling of protein sequence and biophysical properties (such as structural, functional, and spatial information, amino acid conservation, physicochemical variation, residue mobility, and thermodynamic stability) performed at Invitae indicates that this missense variant is not expected to disrupt CNTN2 protein function. This variant has not been reported in the literature in individuals with CNTN2-related conditions. This variant is not present in population databases (ExAC no frequency). This sequence change replaces aspartic acid with asparagine at codon 767 of the CNTN2 protein (p.Asp767Asn). The aspartic acid residue is highly conserved and there is a small physicochemical difference between aspartic acid and asparagine.